The following is an entry in ClinVar:

ClinVar aggregate classification (germline): Pathogenic/Likely pathogenic. Review status: criteria provided, multiple submitters, no conflicts (2 of 4 stars). 2 submissions from 2 submitters: Pathogenic (1); Likely pathogenic (1). Last evaluated 2022-11-03.

Conditions:
Hereditary breast ovarian cancer syndrome. Also called: BRCA1- and BRCA2-Associated Hereditary Breast and Ovarian Cancer; Hereditary breast and ovarian cancer; Hereditary breast and ovarian cancer syndrome; Hereditary breast and/or ovarian cancer syndrome; Hereditary breast and ovarian cancer syndrome (HBOC); Breast and ovarian cancer. Identifiers: Orphanet 145, MedGen C0677776, MeSH D061325, MONDO:0003582. Disease mechanism: loss of function.

Submissions (2):

Women's Health and Genetics/Laboratory Corporation of America, LabCorp
Classification: Likely pathogenic for Hereditary breast ovarian cancer syndrome. Last evaluated: 2022-11-03. Review status: criteria provided, single submitter. Criteria: LabCorp Variant Classification Summary - May 2015. Collection method: clinical testing. Allele origin: germline.
Comment: Variant summary: BRCA2 c.6415_6426delins11 (p.Glu2139CysfsX29) results in a premature termination codon, predicted to cause a truncation of the encoded protein or absence of the protein due to nonsense mediated decay, which are commonly known mechanisms for disease. Truncations downstream of this position have been classified as pathogenic by our laboratory. The variant was absent in population databases (gnomAD), however the technology used in such databases may not be able to detect variants of this type. To our knowledge, no occurrence of c.6415_6426delins11 in individuals affected with Hereditary Breast And Ovarian Cancer Syndrome and no experimental evidence demonstrating its impact on protein function have been reported. A ClinVar submitter (evaluation after 2014) cites the variant as pathogenic. Based on the evidence outlined above, the variant was classified as likely pathogenic.

Labcorp Genetics (formerly Invitae), Labcorp
Classification: Pathogenic for Hereditary breast ovarian cancer syndrome. Last evaluated: 2021-07-19. Review status: criteria provided, single submitter. Criteria: Invitae Variant Classification Sherloc (09022015). Collection method: clinical testing. Allele origin: germline.
Comment: This variant is not present in population databases (ExAC no frequency). This sequence change creates a premature translational stop signal (p.Glu2139Cysfs*29) in the BRCA2 gene. It is expected to result in an absent or disrupted protein product. Loss-of-function variants in BRCA2 are known to be pathogenic (PMID: 20104584). This variant has not been reported in the literature in individuals affected with BRCA2-related conditions. For these reasons, this variant has been classified as Pathogenic.

Literature cited by the submitters: PubMed 20104584 (cited by Labcorp Genetics (formerly Invitae), Labcorp).

NM_000059.4(BRCA2):c.6415_6426delinsTGTTTAGTTAG (p.Glu2139fs)

Gene: BRCA2 (BRCA2 DNA repair associated; plus strand). Cytogenetic location: 13q13.1.
Variant type: Indel.
Coding change: c.6415_6426delinsTGTTTAGTTAG on transcript NM_000059.4 (MANE Select); coding-DNA positions 6415 to 6426, GAAGGTGGTTCT replaced by TGTTTAGTTAG.
Protein change: p.Glu2139fs; shifts the reading frame from glutamic acid 2139.
Molecular consequence: frameshift variant.
Genome position (GRCh38, 1-based): chr13:32,340,770-32,340,781, GAAGGTGGTTCT replaced by TGTTTAGTTAG. VCF-style: chr13-32340770-GAAGGTGGTTCT-TGTTTAGTTAG. GRCh37 (hg19) VCF-style: chr13-32914907-GAAGGTGGTTCT-TGTTTAGTTAG.
Other names: short protein forms E2139fs.
Identifiers: ClinVar variation 969358 (VCV000969358.9), dbSNP rs2072554847, ClinGen allele CA1139663236.
Genomic context (GRCh38, chr13:32,340,770, plus strand): 5'-AACTCAGAAATGGAAAAAACCTGCAGTAAAGAATTTAAATTATCAAATAACTTAAATGTT[GAAGGTGGTTCT>TGTTTAGTTAG]TCAGAAAATAATCACTCTATTAAAGTTTCTCCATATCTCTCTCAATTTCAACAAGACAAA-3'